The following is an entry in ClinVar:

ClinVar aggregate classification (somatic clinical impact): Tier I - Strong (1 of 4 stars; one submission).

Conditions:
Diffuse glioma, H3 G34 mutant. Identifiers: MedGen CN377580, MONDO:0957197.

Submission:

Institute for Genomic Medicine (IGM) Clinical Laboratory, Nationwide Children's Hospital
Classification: Tier I - Strong for Diffuse glioma, H3 G34 mutant. Assertion type: diagnostic. Clinical significance: supports diagnosis. Last evaluated: 2024-05-30. Review status: criteria provided, single submitter. Criteria: AMP/ASCO/CAP Guidelines, 2017. Collection method: clinical testing. Allele origin: somatic. Affected: yes.
Comment: Variant has Tier I (strong) clinical significance as a diagnostic inclusion criterion in diffuse glioma, H3 G34 mutant, based on the following evidence: 1) Diagnostic for a specific tumor type/classification based on well-powered studies with expert-level consensus (Evidence Level B; PMIDs: 24705251, 25230881, 28966033, 29763623, 24705250, 33259802, 35195909).

Literature cited by the submitters: PubMed 24705251; PubMed 25230881; PubMed 28966033; PubMed 29763623; PubMed 24705250; PubMed 33259802; PubMed 35195909.

NM_006206.6(PDGFRA):c.1087A>T (p.Ile363Phe)

Gene: PDGFRA (platelet derived growth factor receptor alpha; plus strand). Cytogenetic location: 4q12.
Variant type: single nucleotide variant.
Coding change: c.1087A>T on transcript NM_006206.6 (MANE Select); coding-DNA position 1087, A replaced by T.
Protein change: p.Ile363Phe; replaces isoleucine 363 with phenylalanine.
Molecular consequence: missense variant.
Genome position (GRCh38, 1-based): chr4:54,267,707, A>T. VCF-style: chr4-54267707-A-T. GRCh37 (hg19) VCF-style: chr4-55133874-A-T.
Other names: c.1087A>T, p.Ile363Phe (NM_001347827.2, NM_001347829.2); c.1162A>T, p.Ile388Phe (NM_001347828.2); c.1126A>T, p.Ile376Phe (NM_001347830.2); short protein forms I363F, I376F, I388F.
Identifiers: ClinVar variation 4530346 (VCV004530346.1).
Genomic context (GRCh38, chr4:54,267,707, plus strand): 5'-CCACCTCCCAGGATATCCTGGCTGAAAAACAATCTGACTCTGATTGAAAATCTCACTGAG[A>T]TCACCACTGATGTGGAAAAGATTCAGGAAATAAGGTAAAGAAACTCTCTGCCCAAGTATG-3'
Protein context (NP_006197.1, residues 353-373): NLTLIENLTE[Ile363Phe]TTDVEKIQEI